The following is an entry in ClinVar:

NM_005121.3(MED13):c.5266T>G (p.Cys1756Gly)

Gene: MED13 (mediator complex subunit 13; minus strand). Cytogenetic location: 17q23.2.
Variant type: single nucleotide variant.
Coding change: c.5266T>G on transcript NM_005121.3 (MANE Select); coding-DNA position 5266, T replaced by G.
Protein change: p.Cys1756Gly; replaces cysteine 1756 with glycine.
Molecular consequence: missense variant.
Genome position (GRCh38, 1-based): chr17:61,961,081, A>C on the plus strand (T>G on the coding strand, the complement: MED13 is on the minus strand). VCF-style: chr17-61961081-A-C. GRCh37 (hg19) VCF-style: chr17-60038442-A-C.
Other names: short protein forms C1756G.
Identifiers: ClinVar variation 3026998 (VCV003026998.22), dbSNP rs2509229218, ClinGen allele CA400510646.

ClinVar aggregate classification (germline): Uncertain significance (1 of 4 stars; one submission).

gnomAD v4.1: 3 of 1,611,994 alleles (0.00019%); highest among the groups gnomAD compares: Non-Finnish European, 0.00025%; no homozygotes.

Submission:

CeGaT Center for Human Genetics Tuebingen
Classification: Uncertain significance. Last evaluated: 2024-01-01. Review status: criteria provided, single submitter. Criteria: CeGaT Center For Human Genetics Tuebingen Variant Classification Criteria Version 2. Collection method: clinical testing. Allele origin: germline. Affected: yes. Observed: 1 variant allele.
Comment: MED13: PM2, PP3